The following is an entry in ClinVar:

NM_001374504.1(TMPRSS6):c.1651G>T (p.Gly551Cys)

Gene: TMPRSS6 (transmembrane serine protease 6; minus strand). Cytogenetic location: 22q12.3.
Variant type: single nucleotide variant.
Coding change: c.1651G>T on transcript NM_001374504.1 (MANE Select); coding-DNA position 1651, G replaced by T.
Protein change: p.Gly551Cys; replaces glycine 551 with cysteine.
Molecular consequence: missense variant.
Genome position (GRCh38, 1-based): chr22:37,070,937, C>A on the plus strand (G>T on the coding strand, the complement: TMPRSS6 is on the minus strand). VCF-style: chr22-37070937-C-A. GRCh37 (hg19) VCF-style: chr22-37466977-C-A.
Other names: c.1651G>T, p.Gly551Cys (NM_001289000.2, NM_001289001.2, NM_153609.4); short protein forms G551C.
Identifiers: ClinVar variation 3665591 (VCV003665591.2).
Genomic context (GRCh38, chr22:37,070,937, plus strand): 5'-TCCCAAGCTCCAGGGCCCCGGCAGCCAGGCAGGGCTCACCACAGTGCTCCTCATCCGAGC[C>A]GTCCCTGCAGTCGGGCCGCCCATCACACTGCGGGTTGGGCTTCTTCACGCAGCTCCGGTC-3'
Protein context (NP_001361433.1, residues 541-561): QCDGRPDCRD[Gly551Cys]SDEEHCDCGL

ClinVar aggregate classification (germline): Uncertain significance (1 of 4 stars; one submission).

gnomAD v4.1: 1 of 1,613,260 alleles (0.000062%); highest among the groups gnomAD compares: South Asian, 0.0011%; no homozygotes.

Submission:

Labcorp Genetics (formerly Invitae), Labcorp
Classification: Uncertain significance. Last evaluated: 2024-11-03. Review status: criteria provided, single submitter. Criteria: Invitae Variant Classification Sherloc (09022015). Collection method: clinical testing. Allele origin: germline.
Comment: This sequence change replaces glycine, which is neutral and non-polar, with cysteine, which is neutral and slightly polar, at codon 560 of the TMPRSS6 protein (p.Gly560Cys). This variant is present in population databases (no rsID available, gnomAD 0.003%). This variant has not been reported in the literature in individuals affected with TMPRSS6-related conditions. Invitae Evidence Modeling of protein sequence and biophysical properties (such as structural, functional, and spatial information, amino acid conservation, physicochemical variation, residue mobility, and thermodynamic stability) indicates that this missense variant is not expected to disrupt TMPRSS6 protein function with a negative predictive value of 80%. In summary, the available evidence is currently insufficient to determine the role of this variant in disease. Therefore, it has been classified as a Variant of Uncertain Significance.